The following is an entry in ClinVar:

NM_033380.3(COL4A5):c.2024_2029del (p.Gly675_Asp676del)

Gene: COL4A5 (collagen type IV alpha 5 chain; plus strand). Cytogenetic location: Xq22.3.
Variant type: Deletion.
Coding change: c.2024_2029del on transcript NM_033380.3 (MANE Select); coding-DNA positions 2024 to 2029, 6 bases deleted (GTGATG; older notation c.2024_2029delGTGATG).
Protein change: p.Gly675_Asp676del.
Molecular consequence: inframe deletion.
Genome position (GRCh38, 1-based): chrX:108,601,468-108,601,473, GTGATG deleted; deleting any 6 consecutive bases within chrX:108,601,464-108,601,473 gives the same sequence; the c. name uses the placement nearest the transcript's 3' end. VCF-style (leftmost placement, unchanged base first): chrX-108601463-AGATGGT-A. GRCh37 (hg19) VCF-style: chrX-107844693-AGATGGT-A.
Other names: c.2024_2029del, p.Gly675_Asp676del (NM_000495.5).
Identifiers: ClinVar variation 585540 (VCV000585540.2), dbSNP rs1569494903, ClinGen allele CA891843933.

ClinVar aggregate classification (germline): Pathogenic/Likely pathogenic. Review status: criteria provided, multiple submitters, no conflicts (2 of 4 stars). 2 submissions from 2 submitters: Pathogenic (1); Likely pathogenic (1). Last evaluated 2025-05-13.

Submissions (2):

Labcorp Genetics (formerly Invitae), Labcorp
Classification: Pathogenic. Last evaluated: 2025-05-13. Review status: criteria provided, single submitter. Criteria: Invitae Variant Classification Sherloc (09022015). Collection method: clinical testing. Allele origin: germline.
Comment: This variant, c.2024_2029del, results in the deletion of 2 amino acid(s) of the COL4A5 protein (p.Gly675_Asp676del), but otherwise preserves the integrity of the reading frame. This variant is not present in population databases (gnomAD no frequency). This variant has not been reported in the literature in individuals affected with COL4A5-related conditions. ClinVar contains an entry for this variant (Variation ID: 585540). This variant disrupts the triple helix domain of COL4A5. Glycine residues within the Gly-Xaa-Yaa repeats of the triple helix domain are required for the structure and stability of fibrillar collagens (PMID: 7695699, 8218237, 19344236). In COL4A5, missense variants at these glycine residues are significantly enriched in individuals with disease (PMID: 23720012, 27627812) compared to the general population (ExAC). This variant disrupts a region of the COL4A5 protein in which other variant(s) (p.Gly675Ser) have been determined to be pathogenic (PMID: 15954103, 33040356, 36100708, 36588757). This suggests that this is a clinically significant region of the protein, and that variants that disrupt it are likely to be disease-causing. For these reasons, this variant has been classified as Pathogenic.

Athena Diagnostics
Classification: Likely pathogenic. Last evaluated: 2017-09-12. Review status: criteria provided, single submitter. Criteria: Athena Diagnostics Criteria. Collection method: clinical testing. Allele origin: germline.

Literature cited by the submitters: PubMed 7695699 (cited by Labcorp Genetics (formerly Invitae), Labcorp); PubMed 8218237 (cited by Labcorp Genetics (formerly Invitae), Labcorp); PubMed 19344236 (cited by Labcorp Genetics (formerly Invitae), Labcorp); PubMed 23720012 (cited by Labcorp Genetics (formerly Invitae), Labcorp); PubMed 27627812 (cited by Labcorp Genetics (formerly Invitae), Labcorp); PubMed 15954103 (cited by Labcorp Genetics (formerly Invitae), Labcorp); PubMed 33040356 (cited by Labcorp Genetics (formerly Invitae), Labcorp); PubMed 36100708 (cited by Labcorp Genetics (formerly Invitae), Labcorp); PubMed 36588757 (cited by Labcorp Genetics (formerly Invitae), Labcorp).